The following is an entry in ClinVar:

ClinVar aggregate classification (germline): Benign (3 of 4 stars; one submission).

Conditions:
Breast-ovarian cancer, familial, susceptibility to, 2 (BROVCA2). Also called: BRCA2 Hereditary Breast and Ovarian Cancer. Identifiers: Orphanet 145, MedGen C2675520, MONDO:0012933, OMIM 612555. Disease mechanism: loss of function.

Allele frequency attached by ClinVar (database versions not stated): gnomAD 0.00211 and 0.00225; TOPMed 0.00238; 1000 Genomes Project 0.00359; 1000 Genomes Project 30x 0.00359.
gnomAD v4.1: 320 of 152,154 alleles (0.21%); highest among the groups gnomAD compares: African/African-American, 0.71%; 1 homozygote.

Submission:

Evidence-based Network for the Interpretation of Germline Mutant Alleles (ENIGMA)
Classification: Benign for Breast-ovarian cancer, familial 2. Last evaluated: 2015-01-12. Review status: reviewed by expert panel. Criteria: ENIGMA BRCA1/2 Classification Criteria (2015). Collection method: curation. Allele origin: germline.
Comment: Class 1 not pathogenic based on frequency >1% in an outbred sampleset. Frequency 0.02642 (African), derived from 1000 genomes (2012-04-30).

NM_000059.4(BRCA2):c.8632+2423A>T

Gene: BRCA2 (BRCA2 DNA repair associated; plus strand). Cytogenetic location: 13q13.1.
Variant type: single nucleotide variant.
Coding change: c.8632+2423A>T on transcript NM_000059.4 (MANE Select); 2423 bases into the intron after coding-DNA position 8632, A replaced by T.
Molecular consequence: intron variant.
Genome position (GRCh38, 1-based): chr13:32,373,523, A>T. VCF-style: chr13-32373523-A-T. GRCh37 (hg19) VCF-style: chr13-32947660-A-T.
Other names: IVS 20+2423A>T.
Identifiers: ClinVar variation 209827 (VCV000209827.1), dbSNP rs150493955, ClinGen allele CA276795.